The following is an entry in ClinVar:

ClinVar aggregate classification (germline): Uncertain significance. Review status: criteria provided, multiple submitters, no conflicts (2 of 4 stars). 2 submissions from 2 submitters: Uncertain significance (2). Last evaluated 2024-08-12.

Conditions:
Tuberous sclerosis 1 (TSC1). Identifiers: Orphanet 805, MedGen C1854465, MONDO:0008612, OMIM 191100.
Hereditary cancer-predisposing syndrome. Also called: Hereditary Cancer Syndrome; Hereditary neoplastic syndrome; Neoplastic Syndromes, Hereditary; Tumor predisposition. Identifiers: Orphanet 140162, MedGen C0027672, MeSH D009386, MONDO:0015356.

gnomAD v4.1: 1 of 1,614,134 alleles (0.000062%); highest among the groups gnomAD compares: Non-Finnish European, 0.000085%; no homozygotes.

Submissions (2):

Ambry Genetics
Classification: Uncertain significance for Hereditary cancer-predisposing syndrome. Last evaluated: 2024-08-12. Review status: criteria provided, single submitter. Criteria: Ambry Variant Classification Scheme 2023. Collection method: clinical testing. Allele origin: germline.
Comment: The p.P395A variant (also known as c.1183C>G), located in coding exon 10 of the TSC1 gene, results from a C to G substitution at nucleotide position 1183. The proline at codon 395 is replaced by alanine, an amino acid with highly similar properties. This amino acid position is conserved. In addition, the in silico prediction for this alteration is inconclusive. Based on the available evidence, the clinical significance of this variant remains unclear.

Labcorp Genetics (formerly Invitae), Labcorp
Classification: Uncertain significance for Tuberous sclerosis 1. Last evaluated: 2023-11-09. Review status: criteria provided, single submitter. Criteria: Invitae Variant Classification Sherloc (09022015). Collection method: clinical testing. Allele origin: germline.
Comment: This sequence change replaces proline, which is neutral and non-polar, with alanine, which is neutral and non-polar, at codon 395 of the TSC1 protein (p.Pro395Ala). This variant is not present in population databases (gnomAD no frequency). This variant has not been reported in the literature in individuals affected with TSC1-related conditions. Advanced modeling of protein sequence and biophysical properties (such as structural, functional, and spatial information, amino acid conservation, physicochemical variation, residue mobility, and thermodynamic stability) performed at Invitae indicates that this missense variant is not expected to disrupt TSC1 protein function with a negative predictive value of 95%. In summary, the available evidence is currently insufficient to determine the role of this variant in disease. Therefore, it has been classified as a Variant of Uncertain Significance.

NM_000368.5(TSC1):c.1183C>G (p.Pro395Ala)

Gene: TSC1 (TSC complex subunit 1; minus strand). Cytogenetic location: 9q34.13.
Variant type: single nucleotide variant.
Coding change: c.1183C>G on transcript NM_000368.5 (MANE Select); coding-DNA position 1183, C replaced by G.
Protein change: p.Pro395Ala; replaces proline 395 with alanine.
Molecular consequence: missense variant. On other transcripts: non-coding transcript variant (5).
Genome position (GRCh38, 1-based): chr9:132,910,651, G>C on the plus strand (C>G on the coding strand, the complement: TSC1 is on the minus strand). VCF-style: chr9-132910651-G-C. GRCh37 (hg19) VCF-style: chr9-135786038-G-C.
Other names: c.1183C>G, p.Pro395Ala (NM_001406595.1, NM_001406596.1, NM_001406601.1 and 7 more transcripts); c.1180C>G, p.Pro394Ala (NM_001406597.1, NM_001406598.1, NM_001406599.1 and 6 more transcripts); c.820C>G, p.Pro274Ala (NM_001406614.1, NM_001406615.1, NM_001406616.1 and 5 more transcripts); c.817C>G, p.Pro273Ala (NM_001406620.1, NM_001406621.1, NM_001406622.1 and 2 more transcripts); c.1030C>G, p.Pro344Ala (NM_001162427.2, NM_001406610.1); c.1027C>G, p.Pro343Ala (NM_001406611.1, NM_001406612.1, NM_001406613.1); c.232C>G, p.Pro78Ala (NM_001406626.1); c.229C>G, p.Pro77Ala (NM_001406627.1, NM_001406628.1); and 1 more; short protein forms P273A, P78A, P344A, P395A, P44A, P274A, P343A, P394A.
Identifiers: ClinVar variation 2693971 (VCV002693971.4), dbSNP rs1845904525, ClinGen allele CA375367063.